The following is an entry in ClinVar:

NM_020832.3(ZNF687):c.3147C>T (p.His1049=)

Gene: ZNF687 (zinc finger protein 687; plus strand). Cytogenetic location: 1q21.3.
Variant type: single nucleotide variant.
Coding change: c.3147C>T on transcript NM_020832.3 (MANE Select); coding-DNA position 3147, C replaced by T.
Protein change: p.His1049=; no amino-acid change (histidine 1049 retained).
Molecular consequence: synonymous variant.
Genome position (GRCh38, 1-based): chr1:151,290,501, C>T. VCF-style: chr1-151290501-C-T. GRCh37 (hg19) VCF-style: chr1-151262977-C-T.
Other names: c.3147C>T, p.His1049= (NM_001304763.2, NM_001304764.2).
Identifiers: ClinVar variation 790488 (VCV000790488.32), dbSNP rs61740560, ClinGen allele CA1088782.
Genomic context (GRCh38, chr1:151,290,501, plus strand): 5'-AGAGGGAAAACGCACCTTCAGCAGCCGCCTGATCCTAGAGAAACATGTCCAGGTCCGGCA[C>T]GGCTTGCAGCTTGGGGCCCAGTCCCCTGGCCGGGGGACCACCTTGGCTCGGGGTTCCAGT-3'
Protein context (NP_065883.1, residues 1039-1059): LILEKHVQVR[His1049=]GLQLGAQSPG

ClinVar aggregate classification (germline): Benign/Likely benign. Review status: criteria provided, multiple submitters, no conflicts (2 of 4 stars). 2 submissions from 2 submitters: Benign (1); Likely benign (1). Last evaluated 2026-01-26.

Allele frequency attached by ClinVar (database versions not stated): gnomAD exomes 0.00045 and 0.00106; ExAC 0.00117; 1000 Genomes Project 0.00240; gnomAD 0.00267 and 0.00274; TOPMed 0.00286; 1000 Genomes Project 30x 0.00297; ESP Exome Variant Server 0.00331.
gnomAD v4.1: 1,087 of 1,613,956 alleles (0.067%); highest among the groups gnomAD compares: African/African-American, 0.91%; 10 homozygotes.

Submissions (2):

Labcorp Genetics (formerly Invitae), Labcorp
Classification: Benign. Last evaluated: 2026-01-26. Review status: criteria provided, single submitter. Criteria: Invitae Variant Classification Sherloc (09022015). Collection method: clinical testing. Allele origin: germline.

CeGaT Center for Human Genetics Tuebingen
Classification: Likely benign. Last evaluated: 2022-10-01. Review status: criteria provided, single submitter. Criteria: CeGaT Center For Human Genetics Tuebingen Variant Classification Criteria Version 2. Collection method: clinical testing. Allele origin: germline. Affected: yes. Observed: 1 variant allele.
Comment: ZNF687: BP4, BP7